The following is an entry in ClinVar:

NM_000321.3(RB1):c.1875_1876del (p.Ala626fs)

Gene: RB1 (RB transcriptional corepressor 1; plus strand). Cytogenetic location: 13q14.2.
Variant type: Deletion.
Coding change: c.1875_1876del on transcript NM_000321.3 (MANE Select); coding-DNA positions 1875 to 1876, 2 bases deleted (TG; older notation c.1875_1876delTG).
Protein change: p.Ala626fs; shifts the reading frame from alanine 626.
Molecular consequence: frameshift variant.
Genome position (GRCh38, 1-based): chr13:48,456,264-48,456,265, TG deleted. VCF-style (leftmost placement, unchanged base first): chr13-48456263-CTG-C. GRCh37 (hg19) VCF-style: chr13-49030399-CTG-C.
Other names: c.1875_1876del, p.Ala626fs (NM_001407165.1); short protein forms A626fs.
Identifiers: ClinVar variation 3237035 (VCV003237035.1), dbSNP rs2542364116.

ClinVar aggregate classification (germline): Pathogenic (1 of 4 stars; one submission).

Conditions:
Retinoblastoma (RB1). Also called: RETINOBLASTOMA, SOMATIC. Identifiers: Orphanet 790, MedGen C0035335, MeSH D012175, MONDO:0008380, OMIM 180200, HP:0009919. Disease mechanism: loss of function. Inheritance: Both sporadic and heritable forms are tested..

Submission:

Genetic Diagnostic Laboratory, University of Pennsylvania School of Medicine
Classification: Pathogenic for Retinoblastoma. Last evaluated: 2024-05-20. Review status: criteria provided, single submitter. Criteria: ACMG Guidelines, 2015. Collection method: clinical testing. Allele origin: germline. Affected: yes. Observed: 1 variant allele.
Comment: Case and Pedigree Information: BILATERAL CASES:1, UNILATERAL CASES:0, TOTAL CASES:1, PEDIGREES:1. ACMG Codes Applied:PVS1, PM2